The following is an entry in ClinVar:

ClinVar aggregate classification (germline): Uncertain significance. Review status: criteria provided, multiple submitters, no conflicts (2 of 4 stars). 2 submissions from 2 submitters: Uncertain significance (2). Last evaluated 2024-10-05.

Conditions:
Inborn genetic diseases. Identifiers: MedGen C0950123, MeSH D030342.

Allele frequency attached by ClinVar (database versions not stated): gnomAD 0.00003; TOPMed 0.00003; ExAC 0.00009; 1000 Genomes Project 30x 0.00016; 1000 Genomes Project 0.00020.
gnomAD v4.1: 62 of 1,612,604 alleles (0.0038%); highest among the groups gnomAD compares: South Asian, 0.041%; 1 homozygote.

Submissions (2):

Labcorp Genetics (formerly Invitae), Labcorp
Classification: Uncertain significance. Last evaluated: 2024-10-05. Review status: criteria provided, single submitter. Criteria: Invitae Variant Classification Sherloc (09022015). Collection method: clinical testing. Allele origin: germline.
Comment: This sequence change replaces threonine, which is neutral and polar, with methionine, which is neutral and non-polar, at codon 836 of the KIAA1549 protein (p.Thr836Met). This variant is present in population databases (rs541383684, gnomAD 0.04%). This variant has not been reported in the literature in individuals affected with KIAA1549-related conditions. An algorithm developed to predict the effect of missense changes on protein structure and function (PolyPhen-2) suggests that this variant is likely to be disruptive. In summary, the available evidence is currently insufficient to determine the role of this variant in disease. Therefore, it has been classified as a Variant of Uncertain Significance.

Ambry Genetics
Classification: Uncertain significance for Inborn genetic diseases. Last evaluated: 2024-01-03. Review status: criteria provided, single submitter. Criteria: Ambry Variant Classification Scheme 2023. Collection method: clinical testing. Allele origin: germline.

NM_001164665.2(KIAA1549):c.2507C>T (p.Thr836Met)

Gene: KIAA1549 (KIAA1549; minus strand). Cytogenetic location: 7q34.
Variant type: single nucleotide variant.
Coding change: c.2507C>T on transcript NM_001164665.2 (MANE Select); coding-DNA position 2507, C replaced by T.
Protein change: p.Thr836Met; replaces threonine 836 with methionine.
Molecular consequence: missense variant.
Genome position (GRCh38, 1-based): chr7:138,917,119, G>A on the plus strand (C>T on the coding strand, the complement: KIAA1549 is on the minus strand). VCF-style: chr7-138917119-G-A. GRCh37 (hg19) VCF-style: chr7-138601865-G-A.
Other names: c.2507C>T, p.Thr836Met (NM_020910.3); short protein forms T836M.
Identifiers: ClinVar variation 3114213 (VCV003114213.2), dbSNP rs541383684, ClinGen allele CA4506492.